The following is an entry in ClinVar:

ClinVar aggregate classification (germline): Pathogenic (1 of 4 stars; one submission).

Conditions:
Hereditary diffuse gastric adenocarcinoma (HDGC). Also called: DIFFUSE GASTRIC AND LOBULAR BREAST CANCER SYNDROME. Identifiers: Orphanet 26106, MedGen C1708349, MONDO:0007648, OMIM 137215.

Submission:

Myriad Genetics, Inc.
Classification: Pathogenic for Hereditary diffuse gastric adenocarcinoma. Last evaluated: 2023-05-25. Review status: criteria provided, single submitter. Criteria: Myriad Autosomal Dominant, Autosomal Recessive and X-Linked Classification Criteria (2023). Collection method: clinical testing. Allele origin: unknown.
Comment: This variant is considered pathogenic. This variant creates a frameshift predicted to result in premature protein truncation.

NM_001903.5(CTNNA1):c.214_215del (p.Phe72fs)

Gene: CTNNA1 (catenin alpha 1; plus strand). Cytogenetic location: 5q31.2.
Variant type: Deletion.
Coding change: c.214_215del on transcript NM_001903.5 (MANE Select); coding-DNA positions 214 to 215, 2 bases deleted (TT; older notation c.214_215delTT).
Protein change: p.Phe72fs; shifts the reading frame from phenylalanine 72.
Molecular consequence: frameshift variant. On other transcripts: intron variant (2).
Genome position (GRCh38, 1-based): chr5:138,783,285-138,783,286, TT deleted; deleting any 2 consecutive bases within chr5:138,783,284-138,783,286 gives the same sequence; the c. name uses the placement nearest the transcript's 3' end. VCF-style (leftmost placement, unchanged base first): chr5-138783283-ATT-A. GRCh37 (hg19) VCF-style: chr5-138118972-ATT-A.
Other names: c.214_215del, p.Phe72fs (NM_001290307.3, NM_001323982.2, NM_001323983.1 and 3 more transcripts); c.-6+13_-6+14del (NM_001290310.3); c.-9+1256_-9+1257del (NM_001290309.3); short protein forms F72fs.
Identifiers: ClinVar variation 2583832 (VCV002583832.2), dbSNP rs2532178816, ClinGen allele CA2582341647.